The following is an entry in ClinVar:

ClinVar aggregate classification (germline): Uncertain significance (1 of 4 stars; one submission).

Allele frequency attached by ClinVar (database versions not stated): TOPMed 0.00001.

Submission:

Mayo Clinic Laboratories, Mayo Clinic
Classification: Uncertain significance. Last evaluated: 2023-03-01. Review status: criteria provided, single submitter. Criteria: ACMG Guidelines, 2015. Collection method: clinical testing. Allele origin: germline. Observed: 1 variant allele.
Comment: PM2_supporting

NM_030787.4(CFHR5):c.703T>C (p.Tyr235His)

Gene: CFHR5 (complement factor H related 5; plus strand). Cytogenetic location: 1q31.3.
Variant type: single nucleotide variant.
Coding change: c.703T>C on transcript NM_030787.4 (MANE Select); coding-DNA position 703, T replaced by C.
Protein change: p.Tyr235His; replaces tyrosine 235 with histidine.
Molecular consequence: missense variant.
Genome position (GRCh38, 1-based): chr1:196,995,812, T>C. VCF-style: chr1-196995812-T-C. GRCh37 (hg19) VCF-style: chr1-196964942-T-C.
Other names: p.Tyr235His; short protein forms Y235H.
Identifiers: ClinVar variation 2682709 (VCV002682709.1), dbSNP rs1653974854, ClinGen allele CA344004869.
Genomic context (GRCh38, chr1:196,995,812, plus strand): 5'-TCCAATGGTGAAGTTAAGGAGATAAGAAAAGAGGAATATGGACACAATGAAGTAGTGGAA[T>C]ATGATTGCAATCCTAATTTTATAATAAACGGGCCTAAGAAAATACAATGTGTGGATGGAG-3'
Protein context (NP_110414.1, residues 225-245): EEYGHNEVVE[Tyr235His]DCNPNFIING